The following is an entry in ClinVar:

ClinVar aggregate classification (germline): Uncertain significance (0 of 4 stars; one submission).

Conditions:
NAV2-related disorder. Also called: NAV2-related condition.

Allele frequency attached by ClinVar (database versions not stated): gnomAD exomes below 0.00001.
gnomAD v4.1: 1 of 1,614,154 alleles (0.000062%); highest among the groups gnomAD compares: Non-Finnish European, 0.000085%; no homozygotes.

Submission:

PreventionGenetics, part of Exact Sciences
Classification: Uncertain significance for NAV2-related condition. Last evaluated: 2024-02-07. Review status: no assertion criteria provided. Collection method: clinical testing. Allele origin: germline.
Comment: The NAV2 c.4838C>T variant is predicted to result in the amino acid substitution p.Ser1613Phe. To our knowledge, this variant has not been reported in the literature or in a large population database, indicating this variant is rare. At this time, the clinical significance of this variant is uncertain due to the absence of conclusive functional and genetic evidence.

NM_145117.5(NAV2):c.4769C>T (p.Ser1590Phe)

Gene: NAV2 (neuron navigator 2; plus strand). Cytogenetic location: 11p15.1.
Variant type: single nucleotide variant.
Coding change: c.4769C>T on transcript NM_145117.5 (MANE Select); coding-DNA position 4769, C replaced by T.
Protein change: p.Ser1590Phe; replaces serine 1590 with phenylalanine.
Molecular consequence: missense variant.
Genome position (GRCh38, 1-based): chr11:20,055,895, C>T. VCF-style: chr11-20055895-C-T. GRCh37 (hg19) VCF-style: chr11-20077441-C-T.
Other names: c.4577C>T, p.Ser1526Phe (NM_001111018.2); c.1961C>T, p.Ser654Phe (NM_001111019.3); c.4838C>T, p.Ser1613Phe (NM_001244963.2); c.4769C>T, p.Ser1590Phe (NM_182964.6); short protein forms S1526F, S1590F, S1613F, S654F.
Identifiers: ClinVar variation 3031350 (VCV003031350.2), dbSNP rs2551458615, ClinGen allele CA379914774.
Genomic context (GRCh38, chr11:20,055,895, plus strand): 5'-CCAATGCTGATGGGCAGTATGATCCATACACTGACAGCCGCTTCCGGAATAGCTCCATGT[C>T]CCTGGATGAGAAGAGCAGAACCATGAGCCGTTCAGGCTCATTCCGGGATGGGTTTGAAGA-3'
Protein context (NP_660093.2, residues 1580-1600): TDSRFRNSSM[Ser1590Phe]LDEKSRTMSR